The following is an entry in ClinVar:

NM_000066.4(C8B):c.1298A>C (p.Glu433Ala)

Gene: C8B (complement C8 beta chain; minus strand). Cytogenetic location: 1p32.2.
Variant type: single nucleotide variant.
Coding change: c.1298A>C on transcript NM_000066.4 (MANE Select); coding-DNA position 1298, A replaced by C.
Protein change: p.Glu433Ala; replaces glutamic acid 433 with alanine.
Molecular consequence: missense variant.
Genome position (GRCh38, 1-based): chr1:56,940,949, T>G on the plus strand (A>C on the coding strand, the complement: C8B is on the minus strand). VCF-style: chr1-56940949-T-G. GRCh37 (hg19) VCF-style: chr1-57406622-T-G.
Other names: c.1142A>C, p.Glu381Ala (NM_001278543.2); c.1112A>C, p.Glu371Ala (NM_001278544.2); short protein forms E433A, E371A, E381A.
Identifiers: ClinVar variation 3694831 (VCV003694831.2).

ClinVar aggregate classification (germline): Uncertain significance (1 of 4 stars; one submission).

gnomAD v4.1: 33 of 1,614,120 alleles (0.002%); highest among the groups gnomAD compares: Non-Finnish European, 0.0027%; no homozygotes.

Submission:

Labcorp Genetics (formerly Invitae), Labcorp
Classification: Uncertain significance. Last evaluated: 2025-01-06. Review status: criteria provided, single submitter. Criteria: Invitae Variant Classification Sherloc (09022015). Collection method: clinical testing. Allele origin: germline.
Comment: This sequence change replaces glutamic acid, which is acidic and polar, with alanine, which is neutral and non-polar, at codon 433 of the C8B protein (p.Glu433Ala). This variant is present in population databases (no rsID available, gnomAD 0.0009%). This variant has not been reported in the literature in individuals affected with C8B-related conditions. An algorithm developed to predict the effect of missense changes on protein structure and function (PolyPhen-2) suggests that this variant is likely to be disruptive. In summary, the available evidence is currently insufficient to determine the role of this variant in disease. Therefore, it has been classified as a Variant of Uncertain Significance.